The following is an entry in ClinVar:

NM_001927.4(DES):c.65C>G (p.Pro22Arg)

Gene: DES (desmin; plus strand). Cytogenetic location: 2q35.
Variant type: single nucleotide variant.
Coding change: c.65C>G on transcript NM_001927.4 (MANE Select); coding-DNA position 65, C replaced by G.
Protein change: p.Pro22Arg; replaces proline 22 with arginine.
Molecular consequence: missense variant.
Genome position (GRCh38, 1-based): chr2:219,418,527, C>G. VCF-style: chr2-219418527-C-G. GRCh37 (hg19) VCF-style: chr2-220283249-C-G.
Other names: c.65C>G (LRG_380t1); short protein forms P22R.
Identifiers: ClinVar variation 660762 (VCV000660762.10), dbSNP rs748158450, ClinGen allele CA2125012.
Genomic context (GRCh38, chr2:219,418,527, plus strand): 5'-GCCAGGCCTACTCGTCCAGCCAGCGCGTGTCCTCCTACCGCCGCACCTTCGGCGGGGCCC[C>G]GGGCTTCCCACTCGGCTCCCCGCTGAGTTCGCCCGTGTTCCCGCGGGCGGGTTTCGGCTC-3'
Protein context (NP_001918.3, residues 12-32): SSYRRTFGGA[Pro22Arg]GFPLGSPLSS

ClinVar aggregate classification (germline): Uncertain significance. Review status: criteria provided, multiple submitters, no conflicts (2 of 4 stars). 3 submissions from 3 submitters: Uncertain significance (3). Last evaluated 2026-01-06.

Conditions:
Cardiovascular phenotype. Identifiers: MedGen CN230736.
Dilated cardiomyopathy 1I (CMD1I). Identifiers: Orphanet 154, MedGen C1858154, MONDO:0011482, OMIM 604765.
Neurogenic scapuloperoneal syndrome, Kaeser type (SCPNK). Also called: KAESER SYNDROME. Identifiers: Orphanet 85146, MedGen C1867005, MONDO:0008407, OMIM 181400.
Desmin-related myofibrillar myopathy (MFM1). Also called: Desminopathy; Desmin related myopathy (former name); Desmin storage myopathy (former name); MYOFIBRILLAR MYOPATHY WITH ARRHYTHMOGENIC RIGHT VENTRICULAR CARDIOMYOPATHY; DESMIN-RELATED MYOPATHY WITH ARRHYTHMOGENIC RIGHT VENTRICULAR CARDIOMYOPATHY; Myofibrillar myopathy 1. Identifiers: Orphanet 363543, Orphanet 98909, MedGen C1832370, MONDO:0011076, OMIM 601419.

Allele frequency attached by ClinVar (database versions not stated): gnomAD 0.00001; TOPMed 0.00001; ExAC 0.00004; 1000 Genomes Project 30x 0.00016.
gnomAD v4.1: 12 of 1,603,646 alleles (0.00075%); highest among the groups gnomAD compares: East Asian, 0.016%; no homozygotes.

Submissions (3):

Labcorp Genetics (formerly Invitae), Labcorp
Classification: Uncertain significance for Desmin-related myofibrillar myopathy. Last evaluated: 2026-01-06. Review status: criteria provided, single submitter. Criteria: Invitae Variant Classification Sherloc (09022015). Collection method: clinical testing. Allele origin: germline.
Comment: This sequence change replaces proline, which is neutral and non-polar, with arginine, which is basic and polar, at codon 22 of the DES protein (p.Pro22Arg). This variant is present in population databases (rs748158450, gnomAD 0.03%). This variant has not been reported in the literature in individuals affected with DES-related conditions. ClinVar contains an entry for this variant (Variation ID: 660762). Invitae Evidence Modeling of protein sequence and biophysical properties (such as structural, functional, and spatial information, amino acid conservation, physicochemical variation, residue mobility, and thermodynamic stability) indicates that this missense variant is not expected to disrupt DES protein function with a negative predictive value of 80%. In summary, the available evidence is currently insufficient to determine the role of this variant in disease. Therefore, it has been classified as a Variant of Uncertain Significance.

Ambry Genetics
Classification: Uncertain significance for Cardiovascular phenotype. Last evaluated: 2024-08-22. Review status: criteria provided, single submitter. Criteria: Ambry Variant Classification Scheme 2023. Collection method: clinical testing. Allele origin: germline.
Comment: The p.P22R variant (also known as c.65C>G), located in coding exon 1 of the DES gene, results from a C to G substitution at nucleotide position 65. The proline at codon 22 is replaced by arginine, an amino acid with dissimilar properties. This variant has been reported in a dilated cardiomyopathy (DCM) cohort (Zhang XL et al. Sci Rep, 2020 Feb;10:2226). This amino acid position is well conserved in available vertebrate species. In addition, this alteration is predicted to be tolerated by in silico analysis. Based on the available evidence, the clinical significance of this variant remains unclear.

Fulgent Genetics
Classification: Uncertain significance for Neurogenic scapuloperoneal syndrome, Kaeser type; Desmin-related myofibrillar myopathy; Dilated cardiomyopathy 1I. Last evaluated: 2022-01-17. Review status: criteria provided, single submitter. Criteria: ACMG Guidelines, 2015. Collection method: clinical testing. Allele origin: unknown.

Literature cited by the submitters: PubMed 32041989 (cited by Ambry Genetics).